The following is an entry in ClinVar:

ClinVar aggregate classification (germline): Likely benign. Review status: criteria provided, multiple submitters, no conflicts (2 of 4 stars). 2 submissions from 2 submitters: Likely benign (2). Last evaluated 2025-01-28.

Conditions:
Ehlers-Danlos syndrome, classic type, 1 (EDSCL1). Also called: EHLERS-DANLOS SYNDROME, GRAVIS TYPE; EHLERS-DANLOS SYNDROME, SEVERE CLASSIC TYPE; EDS I; Ehlers-Danlos Syndrome, Classic Type, COL5A1-Related; Ehlers-Danlos syndrome, type 1. Identifiers: MedGen C0268335, MONDO:0019567, OMIM 130000.

Submissions (2):

Mayo Clinic Laboratories, Mayo Clinic
Classification: Likely benign. Last evaluated: 2025-01-28. Review status: criteria provided, single submitter. Criteria: ACMG Guidelines, 2015. Collection method: clinical testing. Allele origin: germline. Observed: 1 variant allele.
Comment: BP4, BP7, PM2_supporting

Labcorp Genetics (formerly Invitae), Labcorp
Classification: Likely benign for Ehlers-Danlos syndrome, classic type, 1. Last evaluated: 2022-12-06. Review status: criteria provided, single submitter. Criteria: Invitae Variant Classification Sherloc (09022015). Collection method: clinical testing. Allele origin: germline.

NM_000093.5(COL5A1):c.2724G>C (p.Pro908=)

Gene: COL5A1 (collagen type V alpha 1 chain; plus strand). Cytogenetic location: 9q34.3.
Variant type: single nucleotide variant.
Coding change: c.2724G>C on transcript NM_000093.5 (MANE Select); coding-DNA position 2724, G replaced by C.
Protein change: p.Pro908=; no amino-acid change (proline 908 retained).
Molecular consequence: synonymous variant.
Genome position (GRCh38, 1-based): chr9:134,795,105, G>C. VCF-style: chr9-134795105-G-C. GRCh37 (hg19) VCF-style: chr9-137686951-G-C.
Other names: p.Pro908=; c.2724G>C, p.Pro908= (NM_001278074.1).
Identifiers: ClinVar variation 459664 (VCV000459664.11), dbSNP rs41310207, ClinGen allele CA467664405.
Genomic context (GRCh38, chr9:134,795,105, plus strand): 5'-TTAGAGAGTGACTGACCAGCCCCTTCTCTGATTCTAGGGGACCCCTGGAAAGCCAGGACC[G>C]CGGGGGCAGCGAGGCCCAACGGTAACCACCCTTTCAGCTTGTGGGCATGTTTGGGAAACG-3'
Protein context (NP_000084.3, residues 898-918): GGRGTPGKPG[Pro908=]RGQRGPTGPR